The following is an entry in ClinVar:

NM_207122.2(EXT2):c.670C>T (p.Gln224Ter)

Gene: EXT2 (exostosin glycosyltransferase 2; plus strand). Cytogenetic location: 11p11.2.
Variant type: single nucleotide variant.
Coding change: c.670C>T on transcript NM_207122.2 (MANE Select); coding-DNA position 670, C replaced by T.
Protein change: p.Gln224Ter; replaces glutamine 224 with a stop codon.
Molecular consequence: nonsense.
Genome position (GRCh38, 1-based): chr11:44,114,228, C>T. VCF-style: chr11-44114228-C-T. GRCh37 (hg19) VCF-style: chr11-44135778-C-T.
Other names: c.769C>T, p.Gln257Ter (NM_000401.3); c.670C>T, p.Gln224Ter (NM_001178083.3, NM_001389628.1, NM_001389630.1); short protein forms Q224*, Q257*.
Identifiers: ClinVar variation 568961 (VCV000568961.47), dbSNP rs1565199251, ClinGen allele CA380164408.

ClinVar aggregate classification (germline): Pathogenic. Review status: criteria provided, multiple submitters, no conflicts (2 of 4 stars). 2 submissions from 2 submitters: Pathogenic (2). Last evaluated 2018-10-01.

Conditions:
Exostoses, multiple, type 2 (EXT2). Also called: Hereditary Multiple Osteochondromatosis, Type II; EXOSTOSES, MULTIPLE, TYPE II. Identifiers: Orphanet 321, MedGen C1851413, MONDO:0007586, OMIM 133701.

Submissions (2):

CeGaT Center for Human Genetics Tuebingen
Classification: Pathogenic. Last evaluated: 2018-10-01. Review status: criteria provided, single submitter. Criteria: CeGaT Center For Human Genetics Tuebingen Variant Classification Criteria Version 2. Collection method: clinical testing. Allele origin: germline. Affected: yes. Observed: 1 variant allele.

Labcorp Genetics (formerly Invitae), Labcorp
Classification: Pathogenic for Exostoses, multiple, type 2. Last evaluated: 2018-03-23. Review status: criteria provided, single submitter. Criteria: Invitae Variant Classification Sherloc (09022015). Collection method: clinical testing. Allele origin: germline.
Comment: This sequence change creates a premature translational stop signal (p.Gln224*) in the EXT2 gene. It is expected to result in an absent or disrupted protein product. For these reasons, this variant has been classified as Pathogenic. Loss-of-function variants in EXT2 are known to be pathogenic (PMID: 19810120). This variant has not been reported in the literature in individuals with EXT2-related disease. This variant is not present in population databases (ExAC no frequency).

Literature cited by the submitters: PubMed 19810120 (cited by Labcorp Genetics (formerly Invitae), Labcorp).